The following is an entry in ClinVar:

ClinVar aggregate classification (germline): Uncertain significance (1 of 4 stars; one submission).

Conditions:
Hereditary nonpolyposis colorectal neoplasms. Identifiers: MedGen C0009405, MeSH D003123.

Allele frequency attached by ClinVar (database versions not stated): gnomAD exomes below 0.00001.
gnomAD v4.1: 1 of 1,614,052 alleles (0.000062%); highest among the groups gnomAD compares: Non-Finnish European, 0.000085%; no homozygotes.

Submission:

Labcorp Genetics (formerly Invitae), Labcorp
Classification: Uncertain significance for Hereditary nonpolyposis colorectal neoplasms. Last evaluated: 2022-12-25. Review status: criteria provided, single submitter. Criteria: Invitae Variant Classification Sherloc (09022015). Collection method: clinical testing. Allele origin: germline.
Comment: This variant has not been reported in the literature in individuals affected with PMS2-related conditions. In summary, the available evidence is currently insufficient to determine the role of this variant in disease. Therefore, it has been classified as a Variant of Uncertain Significance. Advanced modeling of protein sequence and biophysical properties (such as structural, functional, and spatial information, amino acid conservation, physicochemical variation, residue mobility, and thermodynamic stability) performed at Invitae indicates that this missense variant is expected to disrupt PMS2 protein function. This variant is not present in population databases (gnomAD no frequency). This sequence change replaces leucine, which is neutral and non-polar, with serine, which is neutral and polar, at codon 188 of the PMS2 protein (p.Leu188Ser).

NM_000535.7(PMS2):c.563T>C (p.Leu188Ser)

Gene: PMS2 (PMS1 homolog 2, mismatch repair system component; minus strand). Cytogenetic location: 7p22.1.
Variant type: single nucleotide variant.
Coding change: c.563T>C on transcript NM_000535.7 (MANE Select); coding-DNA position 563, T replaced by C.
Protein change: p.Leu188Ser; replaces leucine 188 with serine.
Molecular consequence: missense variant. On other transcripts: non-coding transcript variant (1), intron variant (9).
Genome position (GRCh38, 1-based): chr7:5,999,250, A>G on the plus strand (T>C on the coding strand, the complement: PMS2 is on the minus strand). VCF-style: chr7-5999250-A-G. GRCh37 (hg19) VCF-style: chr7-6038881-A-G.
Other names: c.158T>C, p.Leu53Ser (NM_001018040.1, NM_001322003.2, NM_001322004.2 and 22 more transcripts); c.563T>C, p.Leu188Ser (NM_001322006.2, NM_001322014.2, NM_001406869.1 and 5 more transcripts); c.245T>C, p.Leu82Ser (NM_001322007.2, NM_001322008.2, NM_001406876.1 and 4 more transcripts); c.254T>C, p.Leu85Ser (NM_001322015.2, NM_001406875.1, NM_001406877.1 and 6 more transcripts); c.749T>C, p.Leu250Ser (NM_001406866.1); c.587T>C, p.Leu196Ser (NM_001406868.1); c.132+3203T>C (NM_001406911.1); c.133-1827T>C (NM_001322013.2, NM_001406909.1); and 4 more; short protein forms L196S, L82S, L85S, L188S, L250S, L53S.
Identifiers: ClinVar variation 2823971 (VCV002823971.3), dbSNP rs2128801850, ClinGen allele CA366744085.
Genomic context (GRCh38, chr7:5,999,250, plus strand): 5'-TGTCCAAGCTGATTGGTGCAACTTACACGGATGCCTGCTGAAATGATACAGTATGCATGT[A>G]AGACCTGGACCATTTTGGCATACTCCTGTTTAAAAAACACAAACACAATATTCTACATTA-3'
Protein context (NP_000526.2, residues 178-198): KKEYAKMVQV[Leu188Ser]HAYCIISAGI